The following is an entry in ClinVar:

NM_017636.4(TRPM4):c.267+14C>G

Gene: TRPM4 (transient receptor potential cation channel subfamily M member 4; plus strand). Cytogenetic location: 19q13.33.
Variant type: single nucleotide variant.
Coding change: c.267+14C>G on transcript NM_017636.4 (MANE Select); 14 bases into the intron after coding-DNA position 267, C replaced by G.
Molecular consequence: intron variant.
Genome position (GRCh38, 1-based): chr19:49,166,229, C>G. VCF-style: chr19-49166229-C-G. GRCh37 (hg19) VCF-style: chr19-49669486-C-G.
Other names: c.267+14C>G (NM_001195227.2, NM_001321281.2); c.-1106+14C>G (NM_001321282.2); c.-74-2031C>G (NM_001321283.2); c.-237-2324C>G (NM_001321285.2).
Identifiers: ClinVar variation 329844 (VCV000329844.27), dbSNP rs113040724, ClinGen allele CA9568747.

ClinVar aggregate classification (germline): Benign. Review status: criteria provided, multiple submitters, no conflicts (2 of 4 stars). 8 submissions from 8 submitters: Benign (6). 2 of the submissions do not count toward it. Last evaluated 2026-02-04.

Conditions:
Progressive familial heart block type IB (PFHB1B). Identifiers: Orphanet 871, MedGen C1970298, MONDO:0011474, OMIM 604559.

Allele frequency attached by ClinVar (database versions not stated): gnomAD 0.02235 and 0.02215; TOPMed 0.02401; 1000 Genomes Project 30x 0.03186; 1000 Genomes Project 0.03195; ESP Exome Variant Server 0.02109; gnomAD exomes 0.00548 and 0.01130; ExAC 0.02062.
gnomAD v4.1: 11,501 of 1,588,204 alleles (0.72%); highest among the groups gnomAD compares: African/African-American, 6.9%; 309 homozygotes.

Submissions (8):

Labcorp Genetics (formerly Invitae), Labcorp
Classification: Benign for Progressive familial heart block type IB. Last evaluated: 2026-02-04. Review status: criteria provided, single submitter. Criteria: Invitae Variant Classification Sherloc (09022015). Collection method: clinical testing. Allele origin: germline.

ARUP Laboratories, Molecular Genetics and Genomics, ARUP Laboratories
Classification: Benign. Last evaluated: 2023-11-01. Review status: criteria provided, single submitter. Criteria: ARUP Molecular Germline Variant Investigation Process 2024. Collection method: clinical testing. Allele origin: germline.

Women's Health and Genetics/Laboratory Corporation of America, LabCorp
Classification: Benign. Last evaluated: 2023-04-10. Review status: criteria provided, single submitter. Criteria: LabCorp Variant Classification Summary - May 2015. Collection method: clinical testing. Allele origin: germline.

Illumina Laboratory Services, Illumina
Classification: Benign for Progressive familial heart block type IB. Last evaluated: 2018-01-13. Review status: criteria provided, single submitter. Criteria: ICSL Variant Classification Criteria 13 December 2019. Collection method: clinical testing. Allele origin: germline.
Comment: This variant was observed in the ICSL laboratory as part of a predisposition screen in an ostensibly healthy population. It had not been previously curated by ICSL or reported in the Human Gene Mutation Database (HGMD: prior to June 1st, 2018), and was therefore a candidate for classification through an automated scoring system. Utilizing variant allele frequency, disease prevalence and penetrance estimates, and inheritance mode, an automated score was calculated to assess if this variant is too frequent to cause the disease. Based on the score and internal cut-off values, a variant classified as benign is not then subjected to further curation. The score for this variant resulted in a classification of benign for this disease.

GeneDx
Classification: Benign. Last evaluated: 2016-10-10. Review status: criteria provided, single submitter. Criteria: GeneDx Variant Classification (06012015). Collection method: clinical testing. Allele origin: germline. Affected: yes.
Comment: This variant is considered likely benign or benign based on one or more of the following criteria: it is a conservative change, it occurs at a poorly conserved position in the protein, it is predicted to be benign by multiple in silico algorithms, and/or has population frequency not consistent with disease.

Breakthrough Genomics
Classification: Benign. Review status: criteria provided, single submitter. Criteria: ACMG Guidelines, 2015. Collection method: not provided. Allele origin: germline. Inheritance: Autosomal dominant inheritance. Affected: yes.

Clinical Genetics, Academic Medical Center
Classification: Benign. Review status: no assertion criteria provided. Collection method: clinical testing. Allele origin: germline. Affected: yes. Study: VKGL Data-share Consensus. Not counted in ClinVar's aggregate classification.

Joint Genome Diagnostic Labs from Nijmegen and Maastricht, Radboudumc and MUMC+
Classification: Benign. Review status: no assertion criteria provided. Collection method: clinical testing. Allele origin: germline. Affected: yes. Study: VKGL Data-share Consensus. Not counted in ClinVar's aggregate classification.